The following is an entry in ClinVar:

NM_007078.3(LDB3):c.592C>T (p.Pro198Ser)

Gene: LDB3 (LIM domain binding 3; plus strand). Cytogenetic location: 10q23.2.
Variant type: single nucleotide variant.
Coding change: c.592C>T on transcript NM_007078.3 (MANE Select); coding-DNA position 592, C replaced by T.
Protein change: p.Pro198Ser; replaces proline 198 with serine.
Molecular consequence: missense variant. On other transcripts: intron variant (5).
Genome position (GRCh38, 1-based): chr10:86,681,706, C>T. VCF-style: chr10-86681706-C-T. GRCh37 (hg19) VCF-style: chr10-88441463-C-T.
Other names: c.592C>T, p.Pro198Ser (NM_001080115.2, NM_001171610.2, NM_001171611.2 and 3 more transcripts); c.321+1549C>T (NM_001368068.1, NM_001368066.1, NM_001080114.2 and 2 more transcripts); short protein forms P198S.
Identifiers: ClinVar variation 406808 (VCV000406808.11), dbSNP rs1060501318, ClinGen allele CA16612950.

ClinVar aggregate classification (germline): Uncertain significance. Review status: criteria provided, multiple submitters, no conflicts (2 of 4 stars). 2 submissions from 2 submitters: Uncertain significance (2). Last evaluated 2025-09-15.

Conditions:
Cardiovascular phenotype. Identifiers: MedGen CN230736.
Myofibrillar myopathy 4. Also called: Zaspopathy (type). Identifiers: Orphanet 98912, MedGen C4721886, MONDO:0012277, OMIM 609452.

Allele frequency attached by ClinVar (database versions not stated): gnomAD exomes below 0.00001; gnomAD 0.00001.
gnomAD v4.1: 3 of 1,613,340 alleles (0.00019%); highest among the groups gnomAD compares: Non-Finnish European, 0.00025%; no homozygotes.

Submissions (2):

Labcorp Genetics (formerly Invitae), Labcorp
Classification: Uncertain significance for Myofibrillar myopathy 4. Last evaluated: 2025-09-15. Review status: criteria provided, single submitter. Criteria: Invitae Variant Classification Sherloc (09022015). Collection method: clinical testing. Allele origin: germline.
Comment: The LDB3 gene has multiple clinically relevant transcripts. This variant occurs in alternate transcript NM_007078.3, and corresponds to NM_001080116.1:c.321+1549C>T in the primary transcript. This sequence change replaces proline, which is neutral and non-polar, with serine, which is neutral and polar, at codon 198 of the LDB3 protein (p.Pro198Ser). This variant is present in population databases (no rsID available, gnomAD 0.0009%). This variant has not been reported in the literature in individuals affected with LDB3-related conditions. ClinVar contains an entry for this variant (Variation ID: 406808). Algorithms developed to predict the effect of sequence changes on RNA splicing suggest that this variant is not likely to affect RNA splicing. In summary, the available evidence is currently insufficient to determine the role of this variant in disease. Therefore, it has been classified as a Variant of Uncertain Significance.

Ambry Genetics
Classification: Uncertain significance for Cardiovascular phenotype. Last evaluated: 2022-03-07. Review status: criteria provided, single submitter. Criteria: Ambry Variant Classification Scheme 2023. Collection method: clinical testing. Allele origin: germline.
Comment: The p.P198S variant (also known as c.592C>T), located in coding exon 4 of the LDB3 gene, results from a C to T substitution at nucleotide position 592. The proline at codon 198 is replaced by serine, an amino acid with similar properties. This amino acid position is conserved. In addition, the in silico prediction for this alteration is inconclusive. Since supporting evidence is limited at this time, the clinical significance of this alteration remains unclear.